The following is an entry in ClinVar:

ClinVar aggregate classification (germline): Benign. Review status: criteria provided, multiple submitters, no conflicts (2 of 4 stars). 3 submissions from 3 submitters: Benign (3). Last evaluated 2023-11-12.

Allele frequency attached by ClinVar (database versions not stated): TOPMed 0.44164; 1000 Genomes Project 0.45048.

Submissions (3):

Unidad de Genómica Garrahan, Hospital de Pediatría Garrahan
Classification: Benign. Last evaluated: 2023-11-12. Review status: criteria provided, single submitter. Criteria: ACMG Guidelines, 2015. Collection method: clinical testing. Allele origin: germline. Affected: no. Observed: 64 variant alleles.
Comment: This variant is classified as Benign based on local population frequency. This variant was detected in 67% of patients studied by a panel of primary immunodeficiencies. Number of patients: 64. Only high quality variants are reported.

GeneDx
Classification: Benign. Last evaluated: 2021-05-14. Review status: criteria provided, single submitter. Criteria: GeneDx Variant Classification Process June 2021. Collection method: clinical testing. Allele origin: germline. Affected: yes.

Breakthrough Genomics
Classification: Benign. Review status: criteria provided, single submitter. Criteria: ACMG Guidelines, 2015. Collection method: not provided. Allele origin: germline. Inheritance: Autosomal dominant inheritance. Affected: yes.

NM_002661.5(PLCG2):c.431+87A>C

Gene: PLCG2 (phospholipase C gamma 2; plus strand). Cytogenetic location: 16q23.3.
Variant type: single nucleotide variant.
Coding change: c.431+87A>C on transcript NM_002661.5 (MANE Select); 87 bases into the intron after coding-DNA position 431, A replaced by C.
Molecular consequence: intron variant.
Genome position (GRCh38, 1-based): chr16:81,858,443, A>C. VCF-style: chr16-81858443-A-C. GRCh37 (hg19) VCF-style: chr16-81892048-A-C.
Identifiers: ClinVar variation 1237189 (VCV001237189.6), dbSNP rs5016604, ClinGen allele CA14229412.